The following is an entry in ClinVar:

NM_001122681.2(SH3BP2):c.907C>G (p.Pro303Ala)

Gene: SH3BP2 (SH3 domain binding protein 2; plus strand). Cytogenetic location: 4p16.3.
Variant type: single nucleotide variant.
Coding change: c.907C>G on transcript NM_001122681.2 (MANE Select); coding-DNA position 907, C replaced by G.
Protein change: p.Pro303Ala; replaces proline 303 with alanine.
Molecular consequence: missense variant.
Genome position (GRCh38, 1-based): chr4:2,829,813, C>G. VCF-style: chr4-2829813-C-G. GRCh37 (hg19) VCF-style: chr4-2831540-C-G.
Other names: c.991C>G, p.Pro331Ala (NM_001145855.2); c.1078C>G, p.Pro360Ala (NM_001145856.2); c.907C>G, p.Pro303Ala (NM_003023.4); short protein forms P303A, P331A, P360A.
Identifiers: ClinVar variation 857765 (VCV000857765.10), dbSNP rs146469368, ClinGen allele CA2819355.

ClinVar aggregate classification (germline): Uncertain significance. Review status: criteria provided, multiple submitters, no conflicts (2 of 4 stars). 2 submissions from 2 submitters: Uncertain significance (2). Last evaluated 2024-11-20.

Conditions:
Fibrous dysplasia of jaw (CRBM). Also called: Cherubism. Identifiers: Orphanet 184, MedGen C0008029, MONDO:0007315, OMIM 118400.
Inborn genetic diseases. Identifiers: MedGen C0950123, MeSH D030342.

Allele frequency attached by ClinVar (database versions not stated): gnomAD exomes 0.00001; ExAC 0.00002; gnomAD 0.00003; TOPMed 0.00003.
gnomAD v4.1: 6 of 1,613,406 alleles (0.00037%); highest among the groups gnomAD compares: African/African-American, 0.008%; no homozygotes.

Submissions (2):

Ambry Genetics
Classification: Uncertain significance for Inborn genetic diseases. Last evaluated: 2024-11-20. Review status: criteria provided, single submitter. Criteria: Ambry Variant Classification Scheme 2023. Collection method: clinical testing. Allele origin: germline.

Labcorp Genetics (formerly Invitae), Labcorp
Classification: Uncertain significance for Fibrous dysplasia of jaw. Last evaluated: 2024-10-27. Review status: criteria provided, single submitter. Criteria: Invitae Variant Classification Sherloc (09022015). Collection method: clinical testing. Allele origin: germline.
Comment: This sequence change replaces proline, which is neutral and non-polar, with alanine, which is neutral and non-polar, at codon 303 of the SH3BP2 protein (p.Pro303Ala). This variant is present in population databases (rs146469368, gnomAD 0.01%). This variant has not been reported in the literature in individuals affected with SH3BP2-related conditions. ClinVar contains an entry for this variant (Variation ID: 857765). Invitae Evidence Modeling of protein sequence and biophysical properties (such as structural, functional, and spatial information, amino acid conservation, physicochemical variation, residue mobility, and thermodynamic stability) indicates that this missense variant is not expected to disrupt SH3BP2 protein function with a negative predictive value of 80%. In summary, the available evidence is currently insufficient to determine the role of this variant in disease. Therefore, it has been classified as a Variant of Uncertain Significance.